The following is an entry in ClinVar:

ClinVar aggregate classification (germline): Uncertain significance (1 of 4 stars; one submission).

Submission:

Labcorp Genetics (formerly Invitae), Labcorp
Classification: Uncertain significance. Last evaluated: 2023-12-31. Review status: criteria provided, single submitter. Criteria: Invitae Variant Classification Sherloc (09022015). Collection method: clinical testing. Allele origin: germline.
Comment: This sequence change replaces glutamine, which is neutral and polar, with leucine, which is neutral and non-polar, at codon 762 of the LZTR1 protein (p.Gln762Leu). This variant is not present in population databases (gnomAD no frequency). This variant has not been reported in the literature in individuals affected with LZTR1-related conditions. Advanced modeling of protein sequence and biophysical properties (such as structural, functional, and spatial information, amino acid conservation, physicochemical variation, residue mobility, and thermodynamic stability) performed at Invitae indicates that this missense variant is not expected to disrupt LZTR1 protein function with a negative predictive value of 80%. In summary, the available evidence is currently insufficient to determine the role of this variant in disease. Therefore, it has been classified as a Variant of Uncertain Significance.

NM_006767.4(LZTR1):c.2285A>T (p.Gln762Leu)

Gene: LZTR1 (leucine zipper like post translational regulator 1; plus strand). Cytogenetic location: 22q11.21.
Variant type: single nucleotide variant.
Coding change: c.2285A>T on transcript NM_006767.4 (MANE Select); coding-DNA position 2285, A replaced by T.
Protein change: p.Gln762Leu; replaces glutamine 762 with leucine.
Molecular consequence: missense variant.
Genome position (GRCh38, 1-based): chr22:20,996,761, A>T. VCF-style: chr22-20996761-A-T. GRCh37 (hg19) VCF-style: chr22-21351050-A-T.
Other names: short protein forms Q762L.
Identifiers: ClinVar variation 2706616 (VCV002706616.3), dbSNP rs2518625757, ClinGen allele CA410780864.
Genomic context (GRCh38, chr22:20,996,761, plus strand): 5'-TGTTTGCGGCCCCCTACTACTACGGCTTCTACAACAACCGGCTGCAGGCGTACTGCAAGC[A>T]GAACCTGGAGATGAACGTGACGGTGCAGAACGTGCTGCAGGTAGCCCCCCAGCCCCGTGC-3'
Protein context (NP_006758.2, residues 752-772): YNNRLQAYCK[Gln762Leu]NLEMNVTVQN